The following is an entry in ClinVar:

ClinVar aggregate classification (germline): Benign. Review status: criteria provided, multiple submitters, no conflicts (2 of 4 stars). 2 submissions from 2 submitters: Benign (2). Last evaluated 2018-06-16.

Allele frequency attached by ClinVar (database versions not stated): gnomAD 0.10516 and 0.10878; gnomAD exomes 0.10666; TOPMed 0.11521; 1000 Genomes Project 0.15954; 1000 Genomes Project 30x 0.16099.
gnomAD v4.1: 64,217 of 597,514 alleles (11%); highest among the groups gnomAD compares: East Asian, 22%; 4,039 homozygotes.

Submissions (2):

GeneDx
Classification: Benign. Last evaluated: 2018-06-16. Review status: criteria provided, single submitter. Criteria: GeneDx Variant Classification (06012015). Collection method: clinical testing. Allele origin: germline. Affected: yes.
Comment: This variant is considered likely benign or benign based on one or more of the following criteria: it is a conservative change, it occurs at a poorly conserved position in the protein, it is predicted to be benign by multiple in silico algorithms, and/or has population frequency not consistent with disease.

Breakthrough Genomics
Classification: Benign. Review status: criteria provided, single submitter. Criteria: ACMG Guidelines, 2015. Collection method: not provided. Allele origin: germline. Inheritance: Autosomal dominant inheritance. Affected: yes.

NM_001098511.3(KIF2A):c.65-126A>G

Gene: KIF2A (kinesin family member 2A; plus strand). Cytogenetic location: 5q12.1.
Variant type: single nucleotide variant.
Coding change: c.65-126A>G on transcript NM_001098511.3 (MANE Select); 126 bases into the intron before coding-DNA position 65, A replaced by G.
Molecular consequence: intron variant.
Genome position (GRCh38, 1-based): chr5:62,347,004, A>G. VCF-style: chr5-62347004-A-G. GRCh37 (hg19) VCF-style: chr5-61642831-A-G.
Other names: c.-17-126A>G (NM_001243952.2); c.65-126A>G (NM_004520.5, NM_001243953.2).
Identifiers: ClinVar variation 682852 (VCV000682852.2), dbSNP rs16890656, ClinGen allele CA12027456.